The following is an entry in ClinVar:

NM_001277115.2(DNAH11):c.2803G>A (p.Glu935Lys)

Gene: DNAH11 (dynein axonemal heavy chain 11; plus strand). Cytogenetic location: 7p15.3.
Variant type: single nucleotide variant.
Coding change: c.2803G>A on transcript NM_001277115.2 (MANE Select); coding-DNA position 2803, G replaced by A.
Protein change: p.Glu935Lys; replaces glutamic acid 935 with lysine.
Molecular consequence: missense variant.
Genome position (GRCh38, 1-based): chr7:21,599,922, G>A. VCF-style: chr7-21599922-G-A. GRCh37 (hg19) VCF-style: chr7-21639540-G-A.
Other names: c.2803G>A, p.Glu935Lys (NM_003777.3); short protein forms E935K.
Identifiers: ClinVar variation 2657342 (VCV002657342.27), dbSNP rs1318144064, ClinGen allele CA366944443.

ClinVar aggregate classification (germline): Likely benign. Review status: criteria provided, multiple submitters, no conflicts (2 of 4 stars). 2 submissions from 2 submitters: Likely benign (2). Last evaluated 2024-08-05.

Conditions:
Primary ciliary dyskinesia. Also called: Ciliary dyskinesia. Identifiers: Orphanet 244, MedGen C0008780, MONDO:0016575, HP:0012265.

Allele frequency attached by ClinVar (database versions not stated): gnomAD exomes below 0.00001; TOPMed below 0.00001; gnomAD 0.00003.
gnomAD v4.1: 8 of 1,601,556 alleles (0.0005%); highest among the groups gnomAD compares: Non-Finnish European, 0.00068%; no homozygotes.

Submissions (2):

Labcorp Genetics (formerly Invitae), Labcorp
Classification: Likely benign for Primary ciliary dyskinesia. Last evaluated: 2024-08-05. Review status: criteria provided, single submitter. Criteria: Invitae Variant Classification Sherloc (09022015). Collection method: clinical testing. Allele origin: germline.

CeGaT Center for Human Genetics Tuebingen
Classification: Likely benign. Last evaluated: 2023-04-01. Review status: criteria provided, single submitter. Criteria: CeGaT Center For Human Genetics Tuebingen Variant Classification Criteria Version 2. Collection method: clinical testing. Allele origin: germline. Affected: yes. Observed: 2 variant alleles.
Comment: DNAH11: BP4